The following is an entry in ClinVar:

ClinVar aggregate classification (germline): Uncertain significance. Review status: criteria provided, multiple submitters, no conflicts (2 of 4 stars). 2 submissions from 2 submitters: Uncertain significance (2). Last evaluated 2023-10-25.

Conditions:
Catecholaminergic polymorphic ventricular tachycardia 1. Also called: VENTRICULAR TACHYCARDIA, CATECHOLAMINERGIC POLYMORPHIC, 1, WITH OR WITHOUT ATRIAL DYSFUNCTION AND/OR DILATED CARDIOMYOPATHY; RYR2-Related Catecholaminergic Polymorphic Ventricular Tachycardia; VENTRICULAR TACHYCARDIA, STRESS-INDUCED POLYMORPHIC 1. Identifiers: Orphanet 3286, MedGen C1631597, MONDO:0011484, OMIM 604772.

Submissions (2):

Labcorp Genetics (formerly Invitae), Labcorp
Classification: Uncertain significance for Catecholaminergic polymorphic ventricular tachycardia 1. Last evaluated: 2023-10-25. Review status: criteria provided, single submitter. Criteria: Invitae Variant Classification Sherloc (09022015). Collection method: clinical testing. Allele origin: germline.
Comment: This variant, c.13927_13929del, results in the deletion of 1 amino acid(s) of the RYR2 protein (p.Asn4643del), but otherwise preserves the integrity of the reading frame. This variant is not present in population databases (gnomAD no frequency). This variant has not been reported in the literature in individuals affected with RYR2-related conditions. Experimental studies and prediction algorithms are not available or were not evaluated, and the functional significance of this variant is currently unknown. In summary, the available evidence is currently insufficient to determine the role of this variant in disease. Therefore, it has been classified as a Variant of Uncertain Significance.

Blueprint Genetics
Classification: Uncertain significance. Last evaluated: 2022-10-05. Review status: criteria provided, single submitter. Criteria: ACMG Guidelines, 2015. Collection method: clinical testing. Allele origin: germline.

NM_001035.3(RYR2):c.13924AAC[1] (p.Asn4643del)

Gene: RYR2 (ryanodine receptor 2; plus strand). Cytogenetic location: 1q43.
Variant type: Microsatellite.
Coding change: c.13924AAC[1] on transcript NM_001035.3 (MANE Select); one copy of the 3-base unit AAC starting at c.13924; the reference has two copies in a row; one copy, 3 bases deleted.
Protein change: p.Asn4643del; deletes asparagine 4643.
Molecular consequence: inframe deletion.
Genome position (GRCh38, 1-based): chr1:237,795,302-237,795,304, AAC deleted; deleting any 3 consecutive bases within chr1:237,795,298-237,795,304 gives the same sequence; the position shown is the placement nearest the transcript's 3' end. VCF-style (leftmost placement, unchanged base first): chr1-237795297-CCAA-C. GRCh37 (hg19) VCF-style: chr1-237958597-CCAA-C.
Other names: short protein forms N4643del.
Identifiers: ClinVar variation 2768217 (VCV002768217.4), dbSNP rs2527969303, ClinGen allele CA2697547747.
Genomic context (GRCh38, chr1:237,795,297, plus strand): 5'-TATTTGTCATTAAAAATAATACTATTTACTTCTATGCTTTTGTATATTTTAGGTCATTTC[CCAA>C]CAACTACTGGGACAAATTTGTTAAAAGAAAGGTAATATTACTTGGAATCCTCTACATTTT-3'